The following is an entry in ClinVar:

ClinVar aggregate classification (germline): Uncertain significance (1 of 4 stars; one submission).

Conditions:
Glycogen storage disease, type II (IOPD). Also called: Pompe Disease; CARDIOMEGALIA GLYCOGENICA DIFFUSA; GLYCOGENOSIS, GENERALIZED, CARDIAC FORM; GSD II; POMPE DISEASE, INFANTILE-ONSET; GLYCOGEN STORAGE DISEASE II, INFANTILE-ONSET. Identifiers: Orphanet 365, MedGen C0017921, MONDO:0009290, OMIM 232300.

Submission:

Genomenon, Inc
Classification: Uncertain significance for Glycogen storage disease, type II. Last evaluated: 2026-07-01. Review status: criteria provided, single submitter. Criteria: Genomenon Sequence Variant Interpretation Standards - Updated. Collection method: curation. Allele origin: germline. Affected: yes.
Comment: GAA p.Gln433Pro (c.1298A>C) is a missense variant that changes the amino acid at codon 433 from Glutamine to Proline. This variant has been observed in at least one proband with a GAA-related disorder in the compound heterozygous and/or homozygous state (PMID:28394184). It is absent or not present at a significant frequency in gnomAD. In silico models predict that this variant is not damaging. In conclusion, we classify GAA p.Gln433Pro (c.1298A>C) as a variant of uncertain significance.

Literature cited by the submitters: PubMed 28394184.

NM_000152.5(GAA):c.1298A>C (p.Gln433Pro)

Gene: GAA (alpha glucosidase; plus strand). Cytogenetic location: 17q25.3.
Variant type: single nucleotide variant.
Coding change: c.1298A>C on transcript NM_000152.5 (MANE Select); coding-DNA position 1298, A replaced by C.
Protein change: p.Gln433Pro; replaces glutamine 433 with proline.
Molecular consequence: missense variant.
Genome position (GRCh38, 1-based): chr17:80,108,800, A>C. VCF-style: chr17-80108800-A-C. GRCh37 (hg19) VCF-style: chr17-78082599-A-C.
Other names: c.1298A>C, p.Gln433Pro (NM_001079803.3, NM_001079804.3, NM_001406741.1 and 1 more transcripts); short protein forms Q433P.
Identifiers: ClinVar variation 4876651 (VCV004876651.1).